The following is an entry in ClinVar:

NM_001384125.1(BLTP1):c.6378+10T>C

Gene: BLTP1 (bridge-like lipid transfer protein family member 1; plus strand). Cytogenetic location: 4q27.
Variant type: single nucleotide variant.
Coding change: c.6378+10T>C on transcript NM_001384125.1 (MANE Select); 10 bases into the intron after coding-DNA position 6378, T replaced by C.
Molecular consequence: intron variant.
Genome position (GRCh38, 1-based): chr4:122,255,293, T>C. VCF-style: chr4-122255293-T-C. GRCh37 (hg19) VCF-style: chr4-123176448-T-C.
Other names: c.6378+10T>C (NM_015312.4).
Identifiers: ClinVar variation 3037388 (VCV003037388.2), dbSNP rs145450262, ClinGen allele CA3066807.

ClinVar aggregate classification (germline): Benign (0 of 4 stars; one submission).

Conditions:
BLTP1-related disorder. Also called: BLTP1-related condition.

Allele frequency attached by ClinVar (database versions not stated): gnomAD exomes 0.00068; ExAC 0.00208; 1000 Genomes Project 0.00539; 1000 Genomes Project 30x 0.00578; gnomAD 0.00705; ESP Exome Variant Server 0.00727; TOPMed 0.00807.
gnomAD v4.1: 2,051 of 1,558,614 alleles (0.13%); highest among the groups gnomAD compares: African/African-American, 2.6%; 28 homozygotes.

Submission:

PreventionGenetics, part of Exact Sciences
Classification: Benign for BLTP1-related condition. Last evaluated: 2019-09-10. Review status: no assertion criteria provided. Collection method: clinical testing. Allele origin: germline.
Comment: This variant is classified as benign based on ACMG/AMP sequence variant interpretation guidelines (Richards et al. 2015 PMID: 25741868, with internal and published modifications).